The following is an entry in ClinVar:

NM_006766.5(KAT6A):c.1228A>G (p.Ile410Val)

Gene: KAT6A (lysine acetyltransferase 6A; minus strand). Cytogenetic location: 8p11.21.
Variant type: single nucleotide variant.
Coding change: c.1228A>G on transcript NM_006766.5 (MANE Select); coding-DNA position 1228, A replaced by G.
Protein change: p.Ile410Val; replaces isoleucine 410 with valine.
Molecular consequence: missense variant.
Genome position (GRCh38, 1-based): chr8:41,977,143, T>C on the plus strand (A>G on the coding strand, the complement: KAT6A is on the minus strand). VCF-style: chr8-41977143-T-C. GRCh37 (hg19) VCF-style: chr8-41834661-T-C.
Other names: c.1228A>G (NM_006766.3); c.1228A>G, p.Ile410Val (NM_001305878.2); short protein forms I410V.
Identifiers: ClinVar variation 1947773 (VCV001947773.6), dbSNP rs1824095833, ClinGen allele CA371075829.

ClinVar aggregate classification (germline): Uncertain significance. Review status: criteria provided, multiple submitters, no conflicts (2 of 4 stars). 2 submissions from 2 submitters: Uncertain significance (2). Last evaluated 2022-09-16.

Submissions (2):

GeneDx
Classification: Uncertain significance. Last evaluated: 2022-09-16. Review status: criteria provided, single submitter. Criteria: GeneDx Variant Classification Process June 2021. Collection method: clinical testing. Allele origin: germline. Affected: yes.
Comment: Not observed at significant frequency in large population cohorts (gnomAD); In silico analysis supports that this missense variant does not alter protein structure/function; Has not been previously published as pathogenic or benign to our knowledge

Labcorp Genetics (formerly Invitae), Labcorp
Classification: Uncertain significance. Last evaluated: 2022-06-30. Review status: criteria provided, single submitter. Criteria: Invitae Variant Classification Sherloc (09022015). Collection method: clinical testing. Allele origin: germline.
Comment: In summary, the available evidence is currently insufficient to determine the role of this variant in disease. Therefore, it has been classified as a Variant of Uncertain Significance. Algorithms developed to predict the effect of missense changes on protein structure and function are either unavailable or do not agree on the potential impact of this missense change (SIFT: "Tolerated"; PolyPhen-2: "Possibly Damaging"; Align-GVGD: "Class C0"). This variant has not been reported in the literature in individuals affected with KAT6A-related conditions. This variant is not present in population databases (gnomAD no frequency). This sequence change replaces isoleucine, which is neutral and non-polar, with valine, which is neutral and non-polar, at codon 410 of the KAT6A protein (p.Ile410Val).